The following is an entry in ClinVar:

ClinVar aggregate classification (germline): Uncertain significance (1 of 4 stars; one submission).

Conditions:
Early-infantile DEE. Also called: Early infantile epileptic encephalopathy; Early infantile epileptic encephalopathy with suppression bursts; Ohtahara syndrome. Identifiers: Orphanet 1934, MedGen C0393706, MONDO:0800491.

Allele frequency attached by ClinVar (database versions not stated): TOPMed 0.00002.
gnomAD v4.1: 20 of 1,608,280 alleles (0.0012%); highest among the groups gnomAD compares: Non-Finnish European, 0.0017%; no homozygotes.

Submission:

Labcorp Genetics (formerly Invitae), Labcorp
Classification: Uncertain significance for Early-infantile DEE. Last evaluated: 2022-03-04. Review status: criteria provided, single submitter. Criteria: Invitae Variant Classification Sherloc (09022015). Collection method: clinical testing. Allele origin: germline.
Comment: In summary, the available evidence is currently insufficient to determine the role of this variant in disease. Therefore, it has been classified as a Variant of Uncertain Significance. Algorithms developed to predict the effect of missense changes on protein structure and function (SIFT, PolyPhen-2, Align-GVGD) all suggest that this variant is likely to be tolerated. ClinVar contains an entry for this variant (Variation ID: 405209). This variant has not been reported in the literature in individuals affected with KCNQ2-related conditions. This variant is present in population databases (rs751334184, gnomAD 0.002%). This sequence change replaces threonine, which is neutral and polar, with isoleucine, which is neutral and non-polar, at codon 605 of the KCNQ2 protein (p.Thr605Ile).

NM_172107.4(KCNQ2):c.1814C>T (p.Thr605Ile)

Gene: KCNQ2 (potassium voltage-gated channel subfamily Q member 2; minus strand). Cytogenetic location: 20q13.33.
Variant type: single nucleotide variant.
Coding change: c.1814C>T on transcript NM_172107.4 (MANE Select); coding-DNA position 1814, C replaced by T.
Protein change: p.Thr605Ile; replaces threonine 605 with isoleucine.
Molecular consequence: missense variant.
Genome position (GRCh38, 1-based): chr20:63,408,486, G>A on the plus strand (C>T on the coding strand, the complement: KCNQ2 is on the minus strand). VCF-style: chr20-63408486-G-A. GRCh37 (hg19) VCF-style: chr20-62039839-G-A.
Other names: c.1730C>T, p.Thr577Ile (NM_004518.6); c.1760C>T, p.Thr587Ile (NM_172106.3); c.1721C>T, p.Thr574Ile (NM_172108.5); short protein forms T605I, T577I, T574I, T587I.
Identifiers: ClinVar variation 405209 (VCV000405209.7), dbSNP rs751334184, ClinGen allele CA9958239.
Genomic context (GRCh38, chr20:63,408,486, plus strand): 5'-TTCCCGAGCCGTCCCATCATGCTGGGGTCCTCGGGCAGCTCCGCCTCGGCCGGGCCCTTG[G>A]TGCGGTCCTTGTCCGTGATCGCTGGGCCCCGCCCCACGATCTGGTCCACTCTACCGGGAA-3'
Protein context (NP_742105.1, residues 595-615): RGPAITDKDR[Thr605Ile]KGPAEAELPE